The following is an entry in ClinVar:

NM_001365792.1(DAB1):c.988G>A (p.Ala330Thr)

Gene: DAB1 (DAB adaptor protein 1; minus strand). Cytogenetic location: 1p32.2.
Variant type: single nucleotide variant.
Coding change: c.988G>A on transcript NM_001365792.1 (MANE Select); coding-DNA position 988, G replaced by A.
Protein change: p.Ala330Thr; replaces alanine 330 with threonine.
Molecular consequence: missense variant.
Genome position (GRCh38, 1-based): chr1:57,015,339, C>T on the plus strand (G>A on the coding strand, the complement: DAB1 is on the minus strand). VCF-style: chr1-57015339-C-T. GRCh37 (hg19) VCF-style: chr1-57481012-C-T.
Other names: c.988G>A, p.Ala330Thr (NM_001379462.1, NM_021080.5, NM_001353983.2 and 3 more transcripts); c.982G>A, p.Ala328Thr (NM_001353986.2, NM_001379461.1); short protein forms A330T, A328T.
Identifiers: ClinVar variation 2212002 (VCV002212002.19), dbSNP rs199793708, ClinGen allele CA876331.

ClinVar aggregate classification (germline): Conflicting classifications of pathogenicity. Review status: criteria provided, conflicting classifications (1 of 4 stars). 2 submissions from 2 submitters: Uncertain significance (1); Likely benign (1). Last evaluated 2025-09-09.

Allele frequency attached by ClinVar (database versions not stated): TOPMed 0.00005; ESP Exome Variant Server 0.00008; gnomAD 0.00009; ExAC 0.00011; 1000 Genomes Project 0.00020; 1000 Genomes Project 30x 0.00031.
gnomAD v4.1: 99 of 1,614,028 alleles (0.0061%); highest among the groups gnomAD compares: Admixed American, 0.062%; no homozygotes.

Submissions (2):

Ambry Genetics
Classification: Uncertain significance. Last evaluated: 2025-09-09. Review status: criteria provided, single submitter. Criteria: Ambry Variant Classification Scheme 2023. Collection method: clinical testing. Allele origin: germline.

CeGaT Center for Human Genetics Tuebingen
Classification: Likely benign. Last evaluated: 2024-08-01. Review status: criteria provided, single submitter. Criteria: CeGaT Center For Human Genetics Tuebingen Variant Classification Criteria Version 2. Collection method: clinical testing. Allele origin: germline. Affected: yes. Observed: 1 variant allele.
Comment: DAB1: BS1